The following is an entry in ClinVar:

ClinVar aggregate classification (germline): Likely pathogenic (0 of 4 stars; one submission).

Conditions:
Gaucher disease type I (GD1). Also called: GD 1; Gaucher's disease, type 1; Type 1 Gaucher Disease; ACID BETA-GLUCOSIDASE DEFICIENCY; GAUCHER DISEASE, NONCEREBRAL JUVENILE; GBA DEFICIENCY. Identifiers: Orphanet 355, Orphanet 77259, MedGen C1961835, MONDO:0009265, OMIM 230800.

Submission:

Laboratório Nacional de Células Tronco Embrionárias, Instituto de Biociencias - Universidade de Sao Paulo
Classification: Likely pathogenic for Gaucher disease type I. Last evaluated: 2025-06-24. Review status: no assertion criteria provided. Collection method: research. Allele origin: inherited. Inheritance: Autosomal recessive inheritance. Affected: yes. Observed: 1 variant allele.
Comment: This is the only variant detected at the GBA locus in this allele in compound heterozigosity (in trans) with a previously described variant of Gaucher disease - genotype N409S/G74S. Mutation detected and described in Rozenberg et al., 2006 (doi:10.1016/j.bcmd.2006.09.004). Based on these data and established disease mechanisms for GBA1, we classified it as likely pathogenic.

Literature cited by the submitters: DOI 10.1016/j.bcmd.2006.09.004.

NM_000157.4(GBA1):c.220G>A (p.Gly74Ser)

Genes: GBA1 (glucosylceramidase beta 1; minus strand), LOC106627981 (GBA recombination region; plus strand). Cytogenetic location: 1q22.
Variant type: single nucleotide variant.
Coding change: c.220G>A on transcript NM_000157.4 (MANE Select); coding-DNA position 220, G replaced by A.
Protein change: p.Gly74Ser; replaces glycine 74 with serine.
Molecular consequence: missense variant. On other transcripts: 5 prime UTR variant (1).
Genome position (GRCh38, 1-based): chr1:155,239,973, C>T on the plus strand (G>A on the coding strand, the complement: GBA1 is on the minus strand). VCF-style: chr1-155239973-C-T. GRCh37 (hg19) VCF-style: chr1-155209764-C-T.
Other names: NP_000148.2:p.(G74S); c.220G>A, p.Gly74Ser (NM_001005741.3, NM_001005742.3, NM_001171812.2); c.-42G>A (NM_001171811.2); short protein forms G74S.
Identifiers: ClinVar variation 4075432 (VCV004075432.1).
Genomic context (GRCh38, chr1:155,239,973, plus strand): 5'-GCCCCATACTCAGCTCCATCCGTCGCCCACTGCGTGTACTCTCATAGCGGCTGAAGGTAC[C>T]AAGGGCAGGAAAGGTCGGGGGGTCAAAGGAGTCACAGTATGTGGCATTGCAGACACACAC-3'
Protein context (NP_000148.2, residues 64-84): SFDPPTFPAL[Gly74Ser]TFSRYESTRS